The following is an entry in ClinVar:

ClinVar aggregate classification (germline): Pathogenic. Review status: criteria provided, multiple submitters, no conflicts (2 of 4 stars). 3 submissions from 3 submitters: Pathogenic (3). Last evaluated 2024-07-03.

Conditions:
Emery-Dreifuss muscular dystrophy 1, X-linked (EDMD1). Also called: SCAPULOPERONEAL SYNDROME, X-LINKED; HUMEROPERONEAL NEUROMUSCULAR DISEASE; EMD-Related Emery-Dreifuss Muscular Dystrophy, X-Linked; Muscular dystrophy, tardive, Dreifuss-Emery type, with contractures. Identifiers: MedGen CN375556, MONDO:0100531, OMIM 310300.
X-linked Emery-Dreifuss muscular dystrophy. Also called: Muscular dystrophy, tardive Emery-Dreifuss type, with contractures. Identifiers: Orphanet 261, Orphanet 98863, MedGen C0751337, MONDO:0010680.

Submissions (3):

Labcorp Genetics (formerly Invitae), Labcorp
Classification: Pathogenic for X-linked Emery-Dreifuss muscular dystrophy. Last evaluated: 2024-07-03. Review status: criteria provided, single submitter. Criteria: Invitae Variant Classification Sherloc (09022015). Collection method: clinical testing. Allele origin: germline.
Comment: This sequence change creates a premature translational stop signal (p.Phe39Serfs*17) in the EMD gene. It is expected to result in an absent or disrupted protein product. Loss-of-function variants in EMD are known to be pathogenic (PMID: 24365856). This variant is not present in population databases (gnomAD no frequency). This premature translational stop signal has been observed in individual(s) with Emery-Dreifuss muscular dystrophy (PMID: 21697856). ClinVar contains an entry for this variant (Variation ID: 585847). For these reasons, this variant has been classified as Pathogenic.

Women's Health and Genetics/Laboratory Corporation of America, LabCorp
Classification: Pathogenic for X-linked Emery-Dreifuss muscular dystrophy. Last evaluated: 2023-09-13. Review status: criteria provided, single submitter. Criteria: LabCorp Variant Classification Summary - May 2015. Collection method: clinical testing. Allele origin: germline.
Comment: Variant summary: EMD c.116_143del28 (p.Phe39SerfsX17) results in a premature termination codon, predicted to cause absence of the protein due to nonsense mediated decay, a commonly known mechanism for disease. The variant was absent in 174440 control chromosomes (gnomAD). c.116_143del28 has been reported in the literature in at least one individual affected with X-Linked Emery-Dreifuss Muscular Dystrophy (e.g. Brown_2011). To our knowledge, no experimental evidence demonstrating an impact on protein function has been reported. One submitter has cited a clinical-significance assessment for this variant to ClinVar after 2014 and has classified the variant as pathogenic. Based on the evidence outlined above, the variant was classified as pathogenic.

Athena Diagnostics
Classification: Pathogenic. Last evaluated: 2016-05-19. Review status: criteria provided, single submitter. Criteria: Athena Diagnostics Criteria. Collection method: clinical testing. Allele origin: germline.

Literature cited by the submitters: PubMed 24365856 (cited by Labcorp Genetics (formerly Invitae), Labcorp); PubMed 21697856 (cited by 3 submitters).

NM_000117.3(EMD):c.116_143del (p.Phe39fs)

Gene: EMD (emerin; plus strand). Cytogenetic location: Xq28.
Variant type: Deletion.
Coding change: c.116_143del on transcript NM_000117.3 (MANE Select); coding-DNA positions 116 to 143, 28 bases deleted (TCGAGTACGAGACCCAGAGGCGGCGGCT).
Protein change: p.Phe39fs; shifts the reading frame from phenylalanine 39.
Molecular consequence: frameshift variant.
Genome position (GRCh38, 1-based): chrX:154,379,723-154,379,750, TCGAGTACGAGACCCAGAGGCGGCGGCT deleted; deleting any 28 consecutive bases within chrX:154,379,721-154,379,750 gives the same sequence; the c. name uses the placement nearest the transcript's 3' end. VCF-style (leftmost placement, unchanged base first): chrX-154379720-TCTTCGAGTACGAGACCCAGAGGCGGCGG-T. GRCh37 (hg19) VCF-style: chrX-153608080-TCTTCGAGTACGAGACCCAGAGGCGGCGG-T.
Other names: c.116_143del28 (NM_000117.2); short protein forms F39fs.
Identifiers: ClinVar variation 585847 (VCV000585847.4), dbSNP rs1569552080, ClinGen allele CA891843639.